The following is an entry in ClinVar:

NM_000051.4(ATM):c.2191del (p.Tyr731fs)

Gene: ATM (ATM serine/threonine kinase; plus strand). Cytogenetic location: 11q22.3.
Variant type: Deletion.
Coding change: c.2191del on transcript NM_000051.4 (MANE Select); coding-DNA position 2191, one base deleted (T; older notation c.2191delT).
Protein change: p.Tyr731fs; shifts the reading frame from tyrosine 731.
Molecular consequence: frameshift variant.
Genome position (GRCh38, 1-based): chr11:108,256,281, T deleted; the last of 2 consecutive T bases (chr11:108,256,280-108,256,281); deleting either gives the same sequence. VCF-style (leftmost placement, unchanged base first): chr11-108256279-GT-G. GRCh37 (hg19) VCF-style: chr11-108127006-GT-G.
Other names: c.2191del, p.Tyr731fs (NM_001351834.2); short protein forms Y731fs.
Identifiers: ClinVar variation 3232334 (VCV003232334.1), dbSNP rs2497358878, ClinGen allele CA2825001794.

ClinVar aggregate classification (germline): Pathogenic (1 of 4 stars; one submission).

Conditions:
Hereditary cancer-predisposing syndrome. Also called: Neoplastic Syndromes, Hereditary; Tumor predisposition; Hereditary neoplastic syndrome; Hereditary Cancer Syndrome. Identifiers: Orphanet 140162, MedGen C0027672, MeSH D009386, MONDO:0015356.

Submission:

Ambry Genetics
Classification: Pathogenic for Hereditary cancer-predisposing syndrome. Last evaluated: 2023-09-22. Review status: criteria provided, single submitter. Criteria: Ambry Variant Classification Scheme 2023. Collection method: clinical testing. Allele origin: germline.
Comment: The c.2191delT pathogenic mutation, located in coding exon 13 of the ATM gene, results from a deletion of one nucleotide at nucleotide position 2191, causing a translational frameshift with a predicted alternate stop codon (p.Y731Tfs*4). This variant is considered to be rare based on population cohorts in the Genome Aggregation Database (gnomAD). This alteration is expected to result in loss of function by premature protein truncation or nonsense-mediated mRNA decay. As such, this alteration is interpreted as a disease-causing mutation.